The following is an entry in ClinVar:

NM_018127.7(ELAC2):c.2375C>T (p.Ala792Val)

Gene: ELAC2 (elaC ribonuclease Z 2; minus strand). Cytogenetic location: 17p12.
Variant type: single nucleotide variant.
Coding change: c.2375C>T on transcript NM_018127.7 (MANE Select); coding-DNA position 2375, C replaced by T.
Protein change: p.Ala792Val; replaces alanine 792 with valine.
Molecular consequence: missense variant.
Genome position (GRCh38, 1-based): chr17:12,992,924, G>A on the plus strand (C>T on the coding strand, the complement: ELAC2 is on the minus strand). VCF-style: chr17-12992924-G-A. GRCh37 (hg19) VCF-style: chr17-12896241-G-A.
Other names: c.2255C>T, p.Ala752Val (NM_001165962.2); c.2372C>T, p.Ala791Val (NM_173717.2); short protein forms A792V, A752V, A791V.
Identifiers: ClinVar variation 408862 (VCV000408862.8), dbSNP rs767378629, ClinGen allele CA8400812.
Genomic context (GRCh38, chr17:12,992,924, plus strand): 5'-CGCTTCTGCTGAGGCTCCCCATCCTCCAGGCCGCCTGCCAGCTCCCTGGACAGGAGGGCC[G>A]CCCGCACCTGCCGCAGCTCCCGCTTCTCCCTGCGCTCCTCCATCTCCTCGATGTCGCCAG-3'
Protein context (NP_060597.4, residues 782-802): REKRELRQVR[Ala792Val]ALLSRELAGG

ClinVar aggregate classification (germline): Uncertain significance. Review status: criteria provided, multiple submitters, no conflicts (2 of 4 stars). 5 submissions from 5 submitters: Uncertain significance (5). Last evaluated 2025-01-21.

Conditions:
Prostate cancer, hereditary, 2 (HPC2). Identifiers: Orphanet 1331, MedGen C3539120, MONDO:0013872, OMIM 614731.
Combined oxidative phosphorylation defect type 17. Also called: Combined oxidative phosphorylation deficiency 17. Identifiers: Orphanet 369913, MedGen C3809526, MONDO:0014190, OMIM 615440.
Inborn genetic diseases. Identifiers: MedGen C0950123, MeSH D030342.

Allele frequency attached by ClinVar (database versions not stated): gnomAD exomes 0.00005; gnomAD 0.00016 and 0.00018; TOPMed 0.00017.

Submissions (5):

Labcorp Genetics (formerly Invitae), Labcorp
Classification: Uncertain significance for Combined oxidative phosphorylation defect type 17. Last evaluated: 2025-01-21. Review status: criteria provided, single submitter. Criteria: Invitae Variant Classification Sherloc (09022015). Collection method: clinical testing. Allele origin: germline.
Comment: This sequence change replaces alanine, which is neutral and non-polar, with valine, which is neutral and non-polar, at codon 792 of the ELAC2 protein (p.Ala792Val). This variant is present in population databases (rs767378629, gnomAD 0.04%). This variant has not been reported in the literature in individuals affected with ELAC2-related conditions. ClinVar contains an entry for this variant (Variation ID: 408862). An algorithm developed to predict the effect of missense changes on protein structure and function (PolyPhen-2) suggests that this variant¬†is likely to be tolerated. In summary, the available evidence is currently insufficient to determine the role of this variant in disease. Therefore, it has been classified as a Variant of Uncertain Significance.

Ambry Genetics
Classification: Uncertain significance for Inborn genetic diseases. Last evaluated: 2024-06-13. Review status: criteria provided, single submitter. Criteria: Ambry Variant Classification Scheme 2023. Collection method: clinical testing. Allele origin: germline.

Fulgent Genetics
Classification: Uncertain significance for Prostate cancer, hereditary, 2; Combined oxidative phosphorylation defect type 17. Last evaluated: 2024-06-04. Review status: criteria provided, single submitter. Criteria: ACMG Guidelines, 2015. Collection method: clinical testing. Allele origin: germline.

GeneDx
Classification: Uncertain significance. Last evaluated: 2024-05-13. Review status: criteria provided, single submitter. Criteria: GeneDx Variant Classification Process June 2021. Collection method: clinical testing. Allele origin: germline. Affected: yes.
Comment: In silico analysis indicates that this missense variant does not alter protein structure/function; Has not been previously published as pathogenic or benign to our knowledge

Women's Health and Genetics/Laboratory Corporation of America, LabCorp
Classification: Uncertain significance. Last evaluated: 2023-06-23. Review status: criteria provided, single submitter. Criteria: LabCorp Variant Classification Summary - May 2015. Collection method: clinical testing. Allele origin: germline.
Comment: Variant summary: ELAC2 c.2375C>T (p.Ala792Val) results in a non-conservative amino acid change in the encoded protein sequence. Four of five in-silico tools predict a benign effect of the variant on protein function. The variant allele was found at a frequency of 5.2e-05 in 248252 control chromosomes (gnomAD). To our knowledge, no occurrence of c.2375C>T in individuals affected with Combined Oxidative Phosphorylation Defect Type 17 and no experimental evidence demonstrating its impact on protein function have been reported. One ClinVar submitter has assessed the variant since 2014 and classified the variant as uncertain significance. Based on the evidence outlined above, the variant was classified as uncertain significance.